The following is an entry in ClinVar:

ClinVar aggregate classification (germline): Benign. Review status: criteria provided, multiple submitters, no conflicts (2 of 4 stars). 11 submissions from 11 submitters: Benign (8). 3 of the submissions do not count toward it. Last evaluated 2026-02-04.

Conditions:
Neuropathy, hereditary sensory and autonomic, type 2A (HSAN2A). Also called: WNK1-Related HSAN2 (HSAN2A); HSAN IIA; ACROOSTEOLYSIS, GIACCAI TYPE; ACROOSTEOLYSIS, NEUROGENIC; MORVAN DISEASE; NEUROPATHY, CONGENITAL SENSORY. Identifiers: Orphanet 970, MedGen C2752089, MONDO:0024309, OMIM 201300.
Pseudohypoaldosteronism type 2C (PHA2C). Also called: Pseudohypoaldosteronism Type IIC. Identifiers: Orphanet 757, Orphanet 88940, MedGen C1840391, MONDO:0013778, OMIM 614492.

Allele frequency attached by ClinVar (database versions not stated): ESP Exome Variant Server 0.39167; TOPMed 0.39567; 1000 Genomes Project 30x 0.39569; gnomAD 0.39853 and 0.39881; 1000 Genomes Project 0.39896; ExAC 0.41919; gnomAD exomes 0.42113 and 0.43502.
gnomAD v4.1: 695,682 of 1,613,866 alleles (43%); highest among the groups gnomAD compares: East Asian, 52%; 151,938 homozygotes.

Submissions (11):

Labcorp Genetics (formerly Invitae), Labcorp
Classification: Benign for Neuropathy, hereditary sensory and autonomic, type 2A; Pseudohypoaldosteronism type 2C. Last evaluated: 2026-02-04. Review status: criteria provided, single submitter. Criteria: Invitae Variant Classification Sherloc (09022015). Collection method: clinical testing. Allele origin: germline.

Blueprint Genetics
Classification: Benign. Last evaluated: 2024-11-27. Review status: criteria provided, single submitter. Criteria: ACMG Guidelines, 2015. Collection method: clinical testing. Allele origin: germline.

Mayo Clinic Laboratories, Mayo Clinic
Classification: Benign. Last evaluated: 2022-03-09. Review status: criteria provided, single submitter. Criteria: ACMG Guidelines, 2015. Collection method: clinical testing. Allele origin: germline. Observed: 1,546 variant alleles.

Illumina Laboratory Services, Illumina
Classification: Benign for Pseudohypoaldosteronism type 2C. Last evaluated: 2018-01-12. Review status: criteria provided, single submitter. Criteria: ICSL Variant Classification Criteria 13 December 2019. Collection method: clinical testing. Allele origin: germline.
Comment: This variant was observed in the ICSL laboratory as part of a predisposition screen in an ostensibly healthy population. It had not been previously curated by ICSL or reported in the Human Gene Mutation Database (HGMD: prior to June 1st, 2018), and was therefore a candidate for classification through an automated scoring system. Utilizing variant allele frequency, disease prevalence and penetrance estimates, and inheritance mode, an automated score was calculated to assess if this variant is too frequent to cause the disease. Based on the score and internal cut-off values, a variant classified as benign is not then subjected to further curation. The score for this variant resulted in a classification of benign for this disease.

Athena Diagnostics
Classification: Benign for Neuropathy, hereditary sensory and autonomic, type 2A. Last evaluated: 2017-06-12. Review status: criteria provided, single submitter. Criteria: Athena Diagnostics Criteria. Collection method: clinical testing. Allele origin: germline.

GeneDx
Classification: Benign. Last evaluated: 2013-12-11. Review status: criteria provided, single submitter. Criteria: GeneDx Variant Classification (06012015). Collection method: clinical testing. Allele origin: germline. Affected: yes.
Comment: This variant is considered likely benign or benign based on one or more of the following criteria: it is a conservative change, it occurs at a poorly conserved position in the protein, it is predicted to be benign by multiple in silico algorithms, and/or has population frequency not consistent with disease.

Breakthrough Genomics
Classification: Benign. Review status: criteria provided, single submitter. Criteria: ACMG Guidelines, 2015. Collection method: not provided. Allele origin: germline. Inheritance: Autosomal recessive inheritance. Affected: yes.

PreventionGenetics, part of Exact Sciences
Classification: Benign. Review status: criteria provided, single submitter. Criteria: ACMG Guidelines, 2015. Collection method: clinical testing. Allele origin: germline.

Clinical Genetics, Academic Medical Center
Classification: Benign. Review status: no assertion criteria provided. Collection method: clinical testing. Allele origin: germline. Affected: yes. Study: VKGL Data-share Consensus. Not counted in ClinVar's aggregate classification.

Diagnostic Laboratory, Department of Genetics, University Medical Center Groningen
Classification: Benign. Review status: no assertion criteria provided. Collection method: clinical testing. Allele origin: germline. Affected: yes. Study: VKGL Data-share Consensus. Not counted in ClinVar's aggregate classification.

Joint Genome Diagnostic Labs from Nijmegen and Maastricht, Radboudumc and MUMC+
Classification: Benign. Review status: no assertion criteria provided. Collection method: clinical testing. Allele origin: germline. Affected: yes. Study: VKGL Data-share Consensus. Not counted in ClinVar's aggregate classification.

NM_018979.4(WNK1):c.3960C>T (p.Asn1320=)

Gene: WNK1 (WNK lysine deficient protein kinase 1; plus strand). Cytogenetic location: 12p13.33.
Variant type: single nucleotide variant.
Coding change: c.3960C>T on transcript NM_018979.4 (MANE Select); coding-DNA position 3960, C replaced by T.
Protein change: p.Asn1320=; no amino-acid change (asparagine 1320 retained).
Molecular consequence: synonymous variant.
Genome position (GRCh38, 1-based): chr12:884,764, C>T. VCF-style: chr12-884764-C-T. GRCh37 (hg19) VCF-style: chr12-993930-C-T.
Other names: p.N1572N:AAC>AAT; p.Asn1320=; c.4740C>T, p.Asn1580= (NM_001184985.2); c.3219C>T, p.Asn1073= (NM_014823.3); c.4716C>T, p.Asn1572= (NM_213655.5).
Identifiers: ClinVar variation 137925 (VCV000137925.24), dbSNP rs7300444, ClinGen allele CA291636.